The following is an entry in ClinVar:

ClinVar aggregate classification (germline): Likely pathogenic. Review status: criteria provided, multiple submitters, no conflicts (2 of 4 stars). 2 submissions from 2 submitters: Likely pathogenic (2). Last evaluated 2024-09-12.

Conditions:
L-2-hydroxyglutaric aciduria (L2HGA). Identifiers: Orphanet 79314, MedGen C1855995, MONDO:0009370, OMIM 236792, HP:0040144.

Allele frequency attached by ClinVar (database versions not stated): TOPMed below 0.00001; gnomAD exomes below 0.00001.
gnomAD v4.1: 4 of 1,599,994 alleles (0.00025%); highest among the groups gnomAD compares: East Asian, 0.0089%; no homozygotes.

Submissions (2):

Division of Genetic & Genomic Pathology, Hong Kong Children's Hospital
Classification: Likely pathogenic for L-2-hydroxyglutaric aciduria. Last evaluated: 2024-09-12. Review status: criteria provided, single submitter. Criteria: ACMG Guidelines, 2015. Collection method: clinical testing. Allele origin: germline. Affected: yes.
Comment: NM_024884.3(L2HGDH):c.1064+1G>A p.? is an intronic variant affecting the canonical donor site of intron 8 of the L2HGDH gene. In-silico analysis suggests that this variant may result in exon skipping, disruption of reading frame, and subsequent nonsense mediated decay. This variant is reported at very low frequency in population databases (gnomAD v4.1.0 (all populations): 4 in 1,599,994 alleles, 0.000002500). It has been deposited as likely pathogenic in ClinVar by single submitter (ClinVar accession: VCV002998651.1) at the time of reporting. For these reasons, this variant is classified as likely pathogenic. This variant was inherited in trans with a missense variant.

Labcorp Genetics (formerly Invitae), Labcorp
Classification: Likely pathogenic for L-2-hydroxyglutaric aciduria. Last evaluated: 2023-05-23. Review status: criteria provided, single submitter. Criteria: Invitae Variant Classification Sherloc (09022015). Collection method: clinical testing. Allele origin: germline.
Comment: This variant has not been reported in the literature in individuals affected with L2HGDH-related conditions. Algorithms developed to predict the effect of sequence changes on RNA splicing suggest that this variant may disrupt the consensus splice site. In summary, the currently available evidence indicates that the variant is pathogenic, but additional data are needed to prove that conclusively. Therefore, this variant has been classified as Likely Pathogenic. This variant is present in population databases (no rsID available, gnomAD 0.02%). This sequence change affects a donor splice site in intron 8 of the L2HGDH gene. It is expected to disrupt RNA splicing. Variants that disrupt the donor or acceptor splice site typically lead to a loss of protein function (PMID: 16199547), and loss-of-function variants in L2HGDH are known to be pathogenic (PMID: 16134148, 20052767).

Literature cited by the submitters: PubMed 16199547 (cited by Labcorp Genetics (formerly Invitae), Labcorp); PubMed 16134148 (cited by Labcorp Genetics (formerly Invitae), Labcorp); PubMed 20052767 (cited by Labcorp Genetics (formerly Invitae), Labcorp).

NM_024884.3(L2HGDH):c.1064+1G>A

Gene: L2HGDH (L-2-hydroxyglutarate dehydrogenase; minus strand). Cytogenetic location: 14q21.3.
Variant type: single nucleotide variant.
Coding change: c.1064+1G>A on transcript NM_024884.3 (MANE Select); the canonical splice donor site of the intron after coding-DNA position 1064, G replaced by A.
Molecular consequence: splice donor variant.
Genome position (GRCh38, 1-based): chr14:50,267,752, C>T on the plus strand (G>A on the coding strand, the complement: L2HGDH is on the minus strand). VCF-style: chr14-50267752-C-T. GRCh37 (hg19) VCF-style: chr14-50734470-C-T.
Identifiers: ClinVar variation 2998651 (VCV002998651.4), dbSNP rs1389374650, ClinGen allele CA389649066.